The following is an entry in ClinVar:

NM_000222.3(KIT):c.973G>A (p.Val325Ile)

Gene: KIT (KIT proto-oncogene, receptor tyrosine kinase; plus strand). Cytogenetic location: 4q12.
Variant type: single nucleotide variant.
Coding change: c.973G>A on transcript NM_000222.3 (MANE Select); coding-DNA position 973, G replaced by A.
Protein change: p.Val325Ile; replaces valine 325 with isoleucine.
Molecular consequence: missense variant.
Genome position (GRCh38, 1-based): chr4:54,707,145, G>A. VCF-style: chr4-54707145-G-A. GRCh37 (hg19) VCF-style: chr4-55573311-G-A.
Other names: c.973G>A, p.Val325Ile (NM_001093772.2, NM_001385285.1, NM_001385286.1); c.976G>A, p.Val326Ile (NM_001385284.1, NM_001385288.1, NM_001385290.1 and 1 more transcripts); short protein forms V326I, V325I.
Identifiers: ClinVar variation 1476398 (VCV001476398.8), dbSNP rs1278847358, ClinGen allele CA356900862.

ClinVar aggregate classification (germline): Uncertain significance. Review status: criteria provided, multiple submitters, no conflicts (2 of 4 stars). 2 submissions from 2 submitters: Uncertain significance (2). Last evaluated 2025-11-09.

Conditions:
Hereditary cancer-predisposing syndrome. Also called: Hereditary neoplastic syndrome; Tumor predisposition; Hereditary Cancer Syndrome; Neoplastic Syndromes, Hereditary. Identifiers: Orphanet 140162, MedGen C0027672, MeSH D009386, MONDO:0015356.
Gastrointestinal stromal tumor. Also called: Gastrointestinal stroma tumor; Gastrointestinal stromal tumor, somatic. Identifiers: Orphanet 44890, MedGen C0238198, MeSH D046152, MONDO:0011719, OMIM 606764, HP:0100723.

Allele frequency attached by ClinVar (database versions not stated): gnomAD exomes below 0.00001; gnomAD 0.00001; TOPMed 0.00001.
gnomAD v4.1: 4 of 1,579,352 alleles (0.00025%); highest among the groups gnomAD compares: African/African-American, 0.004%; no homozygotes.

Submissions (2):

Labcorp Genetics (formerly Invitae), Labcorp
Classification: Uncertain significance for Gastrointestinal stromal tumor. Last evaluated: 2025-11-09. Review status: criteria provided, single submitter. Criteria: Invitae Variant Classification Sherloc (09022015). Collection method: clinical testing. Allele origin: germline.
Comment: This sequence change replaces valine, which is neutral and non-polar, with isoleucine, which is neutral and non-polar, at codon 325 of the KIT protein (p.Val325Ile). This variant is present in population databases (no rsID available, gnomAD 0.007%). This variant has not been reported in the literature in individuals affected with KIT-related conditions. ClinVar contains an entry for this variant (Variation ID: 1476398). An algorithm developed to predict the effect of missense changes on protein structure and function outputs the following: PolyPhen-2: "Benign". The isoleucine amino acid residue is found in multiple mammalian species, which suggests that this missense change does not adversely affect protein function. In summary, the available evidence is currently insufficient to determine the role of this variant in disease. Therefore, it has been classified as a Variant of Uncertain Significance.

Ambry Genetics
Classification: Uncertain significance for Hereditary cancer-predisposing syndrome. Last evaluated: 2023-12-14. Review status: criteria provided, single submitter. Criteria: Ambry Variant Classification Scheme 2023. Collection method: clinical testing. Allele origin: germline.
Comment: The p.V325I variant (also known as c.973G>A), located in coding exon 6 of the KIT gene, results from a G to A substitution at nucleotide position 973. The valine at codon 325 is replaced by isoleucine, an amino acid with highly similar properties. This amino acid position is conserved. In addition, this alteration is predicted to be tolerated by in silico analysis. Since supporting evidence is limited at this time, the clinical significance of this alteration remains unclear.